The following is an entry in ClinVar:

NM_001267550.2(TTN):c.46356C>A (p.Cys15452Ter)

Genes: TTN (titin; minus strand), TTN-AS1 (TTN antisense RNA 1; plus strand). Cytogenetic location: 2q31.2.
Variant type: single nucleotide variant.
Coding change: c.46356C>A on transcript NM_001267550.2 (MANE Select); coding-DNA position 46356, C replaced by A.
Protein change: p.Cys15452Ter; replaces cysteine 15452 with a stop codon.
Molecular consequence: nonsense. On other transcripts: non-coding transcript variant (1).
Genome position (GRCh38, 1-based): chr2:178,620,061, G>T on the plus strand (C>A on the coding strand, the complement: TTN is on the minus strand). VCF-style: chr2-178620061-G-T. GRCh37 (hg19) VCF-style: chr2-179484788-G-T.
Other names: c.41433C>A, p.Cys13811Ter (NM_001256850.1); c.19161C>A, p.Cys6387Ter (NM_003319.4); c.38652C>A, p.Cys12884Ter (NM_133378.4); c.19536C>A, p.Cys6512Ter (NM_133432.3); c.19737C>A, p.Cys6579Ter (NM_133437.4); short protein forms C6387*, C15452*, C12884*, C13811*, C6512*, C6579*.
Identifiers: ClinVar variation 4795062 (VCV004795062.1).

ClinVar aggregate classification (germline): Likely pathogenic (1 of 4 stars; one submission).

Conditions:
Autosomal recessive limb-girdle muscular dystrophy type 2J (LGMDR10). Also called: MUSCULAR DYSTROPHY, LIMB-GIRDLE, AUTOSOMAL RECESSIVE 10; Limb-girdle muscular dystrophy, type 2J. Identifiers: Orphanet 140922, MedGen C1837342, MONDO:0012127, OMIM 608807.
Dilated cardiomyopathy 1G (CMD1G). Identifiers: Orphanet 154, MedGen C1858763, MONDO:0011400, OMIM 604145.

Submission:

Labcorp Genetics (formerly Invitae), Labcorp
Classification: Likely pathogenic for Dilated cardiomyopathy 1G; Autosomal recessive limb-girdle muscular dystrophy type 2J. Last evaluated: 2025-12-02. Review status: criteria provided, single submitter. Criteria: Invitae Variant Classification Sherloc (09022015). Collection method: clinical testing. Allele origin: germline.
Comment: This sequence change creates a premature translational stop signal (p.Cys15452*) in the TTN gene. While this is not anticipated to result in nonsense mediated decay, it is expected to create a truncated TTN protein. This variant is not present in population databases (gnomAD no frequency). This variant has not been reported in the literature in individuals affected with TTN-related conditions. This variant is located in the I band of TTN (PMID: 25589632). Truncating variants in this region have been reported in individuals affected with autosomal recessive centronuclear myopathy (PMID: 23975875, internal data). Truncating variants in this region have also been identified in individuals affected with autosomal dominant dilated cardiomyopathy and/or cardio-related conditions (PMID: 27869827, 32964742, internal data). In summary, the currently available evidence indicates that the variant is pathogenic, but additional data are needed to prove that conclusively. Therefore, this variant has been classified as Likely Pathogenic.

Literature cited by the submitters: PubMed 25589632; PubMed 23975875; PubMed 27869827; PubMed 32964742.